The following is an entry in ClinVar:

ClinVar aggregate classification (germline): Conflicting classifications of pathogenicity. Review status: criteria provided, conflicting classifications (1 of 4 stars). 4 submissions from 4 submitters: Uncertain significance (3); Likely benign (1). Last evaluated 2025-12-10.

Conditions:
Hereditary nonpolyposis colorectal neoplasms. Identifiers: MedGen C0009405, MeSH D003123.
Hereditary cancer-predisposing syndrome. Also called: Neoplastic Syndromes, Hereditary; Tumor predisposition; Hereditary Cancer Syndrome; Hereditary neoplastic syndrome. Identifiers: Orphanet 140162, MedGen C0027672, MeSH D009386, MONDO:0015356.
Lynch syndrome. Identifiers: Orphanet 144, MedGen C4552100, MONDO:0005835. Disease mechanism: loss of function.

Allele frequency attached by ClinVar (database versions not stated): gnomAD exomes below 0.00001 and 0.00001; ExAC 0.00003.
gnomAD v4.1: 5 of 1,610,800 alleles (0.00031%); highest among the groups gnomAD compares: South Asian, 0.0011%; no homozygotes.

Submissions (4):

Labcorp Genetics (formerly Invitae), Labcorp
Classification: Likely benign for Hereditary nonpolyposis colorectal neoplasms. Last evaluated: 2025-12-10. Review status: criteria provided, single submitter. Criteria: Invitae Variant Classification Sherloc (09022015). Collection method: clinical testing. Allele origin: germline.

Ambry Genetics
Classification: Uncertain significance for Hereditary cancer-predisposing syndrome. Last evaluated: 2024-04-25. Review status: criteria provided, single submitter. Criteria: Ambry Variant Classification Scheme 2023. Collection method: clinical testing. Allele origin: germline.
Comment: The p.S28P variant (also known as c.82T>C), located in coding exon 2 of the PMS2 gene, results from a T to C substitution at nucleotide position 82. The serine at codon 28 is replaced by proline, an amino acid with similar properties. This amino acid position is highly conserved on sequence alignment. In addition, this alteration is predicted to be deleterious by in silico analysis. Based on the available evidence, the clinical significance of this variant remains unclear.

All of Us Research Program, National Institutes of Health
Classification: Uncertain significance for Lynch syndrome. Last evaluated: 2024-03-24. Review status: criteria provided, single submitter. Criteria: ACMG Guidelines, 2015. Collection method: clinical testing. Allele origin: germline. Inheritance: Autosomal dominant inheritance. Observed: 4 variant alleles, 4 heterozygotes.
Comment: This missense variant replaces serine with proline at codon 28 of the PMS2 protein. Computational prediction suggests that this variant may have deleterious impact on protein structure and function (internally defined REVEL score threshold >= 0.7, PMID: 27666373). To our knowledge, functional studies have not been reported for this variant. This variant has not been reported in individuals affected with PMS2-related disorders in the literature. This variant has been identified in 3/245756 chromosomes in the general population by the Genome Aggregation Database (gnomAD). The available evidence is insufficient to determine the role of this variant in disease conclusively. Therefore, this variant is classified as a Variant of Uncertain Significance.

This study involves interpretation of variants in research participants for the purpose of population health screening. Participant phenotype was not available at the time of variant classification. Additional details can be found in publication PMID: 35346344, PMCID: PMC8962531

Color Diagnostics, LLC DBA Color Health
Classification: Uncertain significance for Hereditary cancer-predisposing syndrome. Last evaluated: 2024-03-04. Review status: criteria provided, single submitter. Criteria: ACMG Guidelines, 2015. Collection method: clinical testing. Allele origin: germline.
Comment: This missense variant replaces serine with proline at codon 28 of the PMS2 protein. Computational prediction suggests that this variant may have deleterious impact on protein structure and function (internally defined REVEL score threshold >= 0.7, PMID: 27666373). To our knowledge, functional studies have not been reported for this variant. This variant has not been reported in individuals affected with PMS2-related disorders in the literature. This variant has been identified in 3/245756 chromosomes in the general population by the Genome Aggregation Database (gnomAD). The available evidence is insufficient to determine the role of this variant in disease conclusively. Therefore, this variant is classified as a Variant of Uncertain Significance.

NM_000535.7(PMS2):c.82T>C (p.Ser28Pro)

Gene: PMS2 (PMS1 homolog 2, mismatch repair system component; minus strand). Cytogenetic location: 7p22.1.
Variant type: single nucleotide variant.
Coding change: c.82T>C on transcript NM_000535.7 (MANE Select); coding-DNA position 82, T replaced by C.
Protein change: p.Ser28Pro; replaces serine 28 with proline.
Molecular consequence: missense variant. On other transcripts: 5 prime UTR variant (8), non-coding transcript variant (1), intron variant (3).
Genome position (GRCh38, 1-based): chr7:6,005,973, A>G on the plus strand (T>C on the coding strand, the complement: PMS2 is on the minus strand). VCF-style: chr7-6005973-A-G. GRCh37 (hg19) VCF-style: chr7-6045604-A-G.
Other names: c.-324T>C (NM_001322003.2, NM_001322005.2, NM_001322009.2 and 1 more transcripts); c.82T>C, p.Ser28Pro (NM_001322006.2, NM_001322014.2); c.-134T>C (NM_001322007.2); c.-803T>C (NM_001322011.2, NM_001322012.2); c.-403T>C (NM_001322015.2); c.-52-1915T>C (NM_001322008.2); c.-242-1915T>C (NM_001322010.2, NM_001322004.2); short protein forms S28P.
Identifiers: ClinVar variation 141650 (VCV000141650.21), dbSNP rs587781908, ClinGen allele CA012958.